The following is an entry in ClinVar:

NM_153240.5(NPHP3):c.3724T>A (p.Tyr1242Asn)

Genes: NPHP3 (nephrocystin 3; minus strand), NPHP3-ACAD11 (NPHP3-ACAD11 readthrough (NMD candidate); minus strand). Cytogenetic location: 3q22.1.
Variant type: single nucleotide variant.
Coding change: c.3724T>A on transcript NM_153240.5 (MANE Select); coding-DNA position 3724, T replaced by A.
Protein change: p.Tyr1242Asn; replaces tyrosine 1242 with asparagine.
Molecular consequence: missense variant. On other transcripts: non-coding transcript variant (1).
Genome position (GRCh38, 1-based): chr3:132,682,791, A>T on the plus strand (T>A on the coding strand, the complement: NPHP3 is on the minus strand). VCF-style: chr3-132682791-A-T. GRCh37 (hg19) VCF-style: chr3-132401635-A-T.
Other names: short protein forms Y1242N.
Identifiers: ClinVar variation 5038209 (VCV005038209.1).

ClinVar aggregate classification (germline): Uncertain significance (1 of 4 stars; one submission).

Conditions:
Nephronophthisis 3 (NPHP3). Also called: Adolescent nephronophthisis. Identifiers: Orphanet 655, MedGen C1858392, MONDO:0011456, OMIM 604387.

Submission:

MVZ Medizinische Genetik Mainz
Classification: Uncertain significance for Nephronophthisis 3. Last evaluated: 2025-07-21. Review status: criteria provided, single submitter. Criteria: UK Practice Guidelines For Variant Classification V4 01 2020. Collection method: clinical testing. Allele origin: germline. Inheritance: Autosomal recessive inheritance. Affected: yes. Observed: 1 variant allele.
Comment: ACMG Criteria: PP3_MOD,PM2_SUP